The following is an entry in ClinVar:

ClinVar aggregate classification (germline): Uncertain significance (1 of 4 stars; one submission).

Submission:

CeGaT Center for Human Genetics Tuebingen
Classification: Uncertain significance. Last evaluated: 2026-06-01. Review status: criteria provided, single submitter. Criteria: CeGaT Center For Human Genetics Tuebingen Variant Classification Criteria Version 2. Collection method: clinical testing. Allele origin: germline. Affected: yes. Observed: 1 variant allele.
Comment: SHANK3: PM2:Supporting, PP2

NM_001372044.2(SHANK3):c.5192C>A (p.Pro1731Gln)

Gene: SHANK3 (SH3 and multiple ankyrin repeat domains 3; plus strand). Cytogenetic location: 22q13.33.
Variant type: single nucleotide variant.
Coding change: c.5192C>A on transcript NM_001372044.2 (MANE Select); coding-DNA position 5192, C replaced by A.
Protein change: p.Pro1731Gln; replaces proline 1731 with glutamine.
Molecular consequence: missense variant.
Genome position (GRCh38, 1-based): chr22:50,731,083, C>A. VCF-style: chr22-50731083-C-A. GRCh37 (hg19) VCF-style: chr22-51169511-C-A.
Other names: short protein forms P1731Q.
Identifiers: ClinVar variation 4874381 (VCV004874381.2).